The following is an entry in ClinVar:

ClinVar aggregate classification (germline): Pathogenic (1 of 4 stars; one submission).

Conditions:
Hereditary cancer-predisposing syndrome. Also called: Neoplastic Syndromes, Hereditary; Hereditary Cancer Syndrome; Hereditary neoplastic syndrome; Tumor predisposition. Identifiers: Orphanet 140162, MedGen C0027672, MeSH D009386, MONDO:0015356.

Submission:

Ambry Genetics
Classification: Pathogenic for Hereditary cancer-predisposing syndrome. Last evaluated: 2017-03-31. Review status: criteria provided, single submitter. Criteria: Ambry Variant Classification Scheme 2023. Collection method: clinical testing. Allele origin: germline.
Comment: The p.Q684* pathogenic mutation (also known as c.2050C>T), located in coding exon 12 of the ATM gene, results from a C to T substitution at nucleotide position 2050. This changes the amino acid from a glutamine to a stop codon within coding exon 12. This alteration is expected to result in loss of function by premature protein truncation or nonsense-mediated mRNA decay. As such, this alteration is interpreted as a disease-causing mutation.

NM_000051.4(ATM):c.2050C>T (p.Gln684Ter)

Gene: ATM (ATM serine/threonine kinase; plus strand). Cytogenetic location: 11q22.3.
Variant type: single nucleotide variant.
Coding change: c.2050C>T on transcript NM_000051.4 (MANE Select); coding-DNA position 2050, C replaced by T.
Protein change: p.Gln684Ter; replaces glutamine 684 with a stop codon.
Molecular consequence: nonsense.
Genome position (GRCh38, 1-based): chr11:108,253,965, C>T. VCF-style: chr11-108253965-C-T. GRCh37 (hg19) VCF-style: chr11-108124692-C-T.
Other names: c.2050C>T, p.Gln684Ter (NM_001351834.2); short protein forms Q684*.
Identifiers: ClinVar variation 479087 (VCV000479087.5), dbSNP rs1060501691, ClinGen allele CA382537449.